The following is an entry in ClinVar:

NM_016124.6(RHD):c.[186G>T;410C>T455A>C602C>G604G>A733G>C]

Variant type: Haplotype.
Identifiers: ClinVar variation 1185597 (VCV001185597.4).

ClinVar aggregate classification (germline): Affects (0 of 4 stars; one submission).

Conditions:
altered RHD phenotype.

Submission:

Australian Red Cross Blood Service
Classification: Affects for altered RHD phenotype. Last evaluated: 2021-07-01. Review status: no assertion criteria provided. Collection method: research. Allele origin: inherited. Inheritance: Codominant.
Comment: These nucleotide substitutions (c.186G>T, c.410C>T, c.455A>C, c.602C>G, c.604G>A, c.733G>C) appear to be a novel combination containing single nucleotide variations (SNV) often present in DIII phenotypes. It doesnâ€™t fit any known DIII allele however and also contains SNVs not linked to DIII. additionally one of the SNVs (c.604G>A) is novel.